The following is an entry in ClinVar:

ClinVar aggregate classification (germline): Uncertain significance. Review status: criteria provided, multiple submitters, no conflicts (2 of 4 stars). 3 submissions from 3 submitters: Uncertain significance (3). Last evaluated 2024-10-17.

Conditions:
Cardiomyopathy (CMYO). Also called: Cardiomyopathies. Identifiers: Orphanet 167848, MedGen C0878544, MONDO:0004994, HP:0001638. Inheritance: Various modes of inheritance.
Catecholaminergic polymorphic ventricular tachycardia 1. Also called: RYR2-Related Catecholaminergic Polymorphic Ventricular Tachycardia; VENTRICULAR TACHYCARDIA, CATECHOLAMINERGIC POLYMORPHIC, 1, WITH OR WITHOUT ATRIAL DYSFUNCTION AND/OR DILATED CARDIOMYOPATHY; VENTRICULAR TACHYCARDIA, STRESS-INDUCED POLYMORPHIC 1. Identifiers: Orphanet 3286, MedGen C1631597, MONDO:0011484, OMIM 604772.
Catecholaminergic polymorphic ventricular tachycardia (CVPT). Also called: Catecholamine-induced polymorphic ventricular tachycardia. Identifiers: Orphanet 3286, MedGen C5574922, MONDO:0017990.

Allele frequency attached by ClinVar (database versions not stated): gnomAD 0.00001; gnomAD exomes 0.00001; TOPMed 0.00001.
gnomAD v4.1: 18 of 1,613,660 alleles (0.0011%); highest among the groups gnomAD compares: East Asian, 0.0022%; no homozygotes.

Submissions (3):

Labcorp Genetics (formerly Invitae), Labcorp
Classification: Uncertain significance for Catecholaminergic polymorphic ventricular tachycardia 1. Last evaluated: 2024-10-17. Review status: criteria provided, single submitter. Criteria: Invitae Variant Classification Sherloc (09022015). Collection method: clinical testing. Allele origin: germline.
Comment: This sequence change replaces asparagine, which is neutral and polar, with aspartic acid, which is acidic and polar, at codon 2318 of the RYR2 protein (p.Asn2318Asp). This variant is present in population databases (no rsID available, gnomAD 0.002%). This missense change has been observed in individual(s) with Brugada syndrome (PMID: 30847666). ClinVar contains an entry for this variant (Variation ID: 628482). Invitae Evidence Modeling of protein sequence and biophysical properties (such as structural, functional, and spatial information, amino acid conservation, physicochemical variation, residue mobility, and thermodynamic stability) indicates that this missense variant is expected to disrupt RYR2 protein function with a positive predictive value of 95%. In summary, the available evidence is currently insufficient to determine the role of this variant in disease. Therefore, it has been classified as a Variant of Uncertain Significance.

All of Us Research Program, National Institutes of Health
Classification: Uncertain significance for Catecholaminergic polymorphic ventricular tachycardia. Last evaluated: 2023-10-30. Review status: criteria provided, single submitter. Criteria: ACMG Guidelines, 2015. Collection method: clinical testing. Allele origin: germline. Inheritance: Autosomal dominant inheritance. Observed: 3 variant alleles, 3 heterozygotes.
Comment: This missense variant replaces asparagine with aspartic acid at codon 2318 of the RYR2 protein. Computational prediction suggests that this variant may have deleterious impact on protein structure and function (internally defined REVEL score threshold >= 0.7, PMID: 27666373). To our knowledge, functional studies have not been reported for this variant. This variant has been reported in one individual affected with long QT syndrome, who also carried a disease-causing variant in the KCNH2 gene (PMID: 36269083). This variant has also been detected in one individual affected with Brugada syndrome (PMID: 30847666). This variant has been identified in 2/249140 chromosomes in the general population by the Genome Aggregation Database (gnomAD). The available evidence is insufficient to determine the role of this variant in disease conclusively. Therefore, this variant is classified as a Variant of Uncertain Significance.

This study involves interpretation of variants in research participants for the purpose of population health screening. Participant phenotype was not available at the time of variant classification. Additional details can be found in publication PMID: 35346344, PMCID: PMC8962531

Color Diagnostics, LLC DBA Color Health
Classification: Uncertain significance for Cardiomyopathy. Last evaluated: 2023-09-25. Review status: criteria provided, single submitter. Criteria: ACMG Guidelines, 2015. Collection method: clinical testing. Allele origin: germline.
Comment: This missense variant replaces asparagine with aspartic acid at codon 2318 of the RYR2 protein. Computational prediction suggests that this variant may have deleterious impact on protein structure and function (internally defined REVEL score threshold >= 0.7, PMID: 27666373). To our knowledge, functional studies have not been reported for this variant. This variant has been reported in one individual affected with long QT syndrome, who also carried a disease-causing variant in the KCNH2 gene (PMID: 36269083). This variant has also been detected in one individual affected with Brugada syndrome (PMID: 30847666). This variant has been identified in 2/249140 chromosomes in the general population by the Genome Aggregation Database (gnomAD). The available evidence is insufficient to determine the role of this variant in disease conclusively. Therefore, this variant is classified as a Variant of Uncertain Significance.

Literature cited by the submitters: PubMed 30847666 (cited by 3 submitters); PubMed 36269083 (cited by All of Us Research Program, National Institutes of Health and Color Diagnostics, LLC DBA Color Health).

NM_001035.3(RYR2):c.6952A>G (p.Asn2318Asp)

Gene: RYR2 (ryanodine receptor 2; plus strand). Cytogenetic location: 1q43.
Variant type: single nucleotide variant.
Coding change: c.6952A>G on transcript NM_001035.3 (MANE Select); coding-DNA position 6952, A replaced by G.
Protein change: p.Asn2318Asp; replaces asparagine 2318 with aspartic acid.
Molecular consequence: missense variant.
Genome position (GRCh38, 1-based): chr1:237,639,038, A>G. VCF-style: chr1-237639038-A-G. GRCh37 (hg19) VCF-style: chr1-237802338-A-G.
Other names: c.6952A>G, p.Asn2318Asp (LRG_402t1); short protein forms N2318D.
Identifiers: ClinVar variation 628482 (VCV000628482.16), dbSNP rs1006334960, ClinGen allele CA39788019.